The following is an entry in ClinVar:

NM_014850.4(SRGAP3):c.958G>A (p.Asp320Asn)

Gene: SRGAP3 (SLIT-ROBO Rho GTPase activating protein 3; minus strand). Cytogenetic location: 3p25.3.
Variant type: single nucleotide variant.
Coding change: c.958G>A on transcript NM_014850.4 (MANE Select); coding-DNA position 958, G replaced by A.
Protein change: p.Asp320Asn; replaces aspartic acid 320 with asparagine.
Molecular consequence: missense variant.
Genome position (GRCh38, 1-based): chr3:9,058,316, C>T on the plus strand (G>A on the coding strand, the complement: SRGAP3 is on the minus strand). VCF-style: chr3-9058316-C-T. GRCh37 (hg19) VCF-style: chr3-9100000-C-T.
Other names: c.958G>A, p.Asp320Asn (NM_001033117.3); short protein forms D320N.
Identifiers: ClinVar variation 2653470 (VCV002653470.24), dbSNP rs2470326682, ClinGen allele CA351675544.

ClinVar aggregate classification (germline): Uncertain significance (1 of 4 stars; one submission).

Submission:

CeGaT Center for Human Genetics Tuebingen
Classification: Uncertain significance. Last evaluated: 2022-10-01. Review status: criteria provided, single submitter. Criteria: CeGaT Center For Human Genetics Tuebingen Variant Classification Criteria Version 2. Collection method: clinical testing. Allele origin: germline. Affected: yes. Observed: 1 variant allele.
Comment: SRGAP3: PM2